The following is an entry in ClinVar:

NM_001165963.4(SCN1A):c.70G>C (p.Ala24Pro)

Gene: SCN1A (sodium voltage-gated channel alpha subunit 1; minus strand). Cytogenetic location: 2q24.3.
Variant type: single nucleotide variant.
Coding change: c.70G>C on transcript NM_001165963.4 (MANE Select); coding-DNA position 70, G replaced by C.
Protein change: p.Ala24Pro; replaces alanine 24 with proline.
Molecular consequence: missense variant. On other transcripts: 5 prime UTR variant (1), non-coding transcript variant (1).
Genome position (GRCh38, 1-based): chr2:166,073,552, C>G on the plus strand (G>C on the coding strand, the complement: SCN1A is on the minus strand). VCF-style: chr2-166073552-C-G. GRCh37 (hg19) VCF-style: chr2-166930062-C-G.
Other names: c.70G>C, p.Ala24Pro (NM_001165964.3, NM_001202435.3, NM_001353948.2 and 10 more transcripts); c.-2356G>C (NM_001353961.2); short protein forms A24P.
Identifiers: ClinVar variation 3764452 (VCV003764452.1).

ClinVar aggregate classification (germline): Uncertain significance (1 of 4 stars; one submission).

Submission:

GeneDx
Classification: Uncertain significance. Last evaluated: 2024-08-21. Review status: criteria provided, single submitter. Criteria: GeneDx Variant Classification Process June 2021. Collection method: clinical testing. Allele origin: germline. Affected: yes.
Comment: Not observed at significant frequency in large population cohorts (gnomAD); In silico analysis supports that this missense variant has a deleterious effect on protein structure/function; Has not been previously published as pathogenic or benign to our knowledge; This substitution is predicted to be within the N-terminal cytoplasmic domain